The following is an entry in ClinVar:

NM_000246.4(CIITA):c.2965C>G (p.Leu989Val)

Gene: CIITA (class II major histocompatibility complex transactivator; plus strand). Cytogenetic location: 16p13.13.
Variant type: single nucleotide variant.
Coding change: c.2965C>G on transcript NM_000246.4 (MANE Select); coding-DNA position 2965, C replaced by G.
Protein change: p.Leu989Val; replaces leucine 989 with valine.
Molecular consequence: missense variant. On other transcripts: non-coding transcript variant (1).
Genome position (GRCh38, 1-based): chr16:10,915,646, C>G. VCF-style: chr16-10915646-C-G. GRCh37 (hg19) VCF-style: chr16-11009503-C-G.
Other names: c.2968C>G, p.Leu990Val (NM_001286402.1, NM_001379332.1); c.1213C>G, p.Leu405Val (NM_001286403.2); c.2821C>G, p.Leu941Val (NM_001379330.1); c.2818C>G, p.Leu940Val (NM_001379331.1); c.2965C>G, p.Leu989Val (NM_001379333.1); c.2896C>G, p.Leu966Val (NM_001379334.1); short protein forms L990V, L405V, L940V, L941V, L989V, L966V.
Identifiers: ClinVar variation 1515539 (VCV001515539.3), dbSNP rs1256846733, ClinGen allele CA394722072.

ClinVar aggregate classification (germline): Uncertain significance (1 of 4 stars; one submission).

Conditions:
MHC class II deficiency. Also called: Bare lymphocyte syndrome 2; BLS, TYPE II. Identifiers: Orphanet 572, MedGen C5447452, MONDO:0008855.

Allele frequency attached by ClinVar (database versions not stated): gnomAD exomes below 0.00001.

Submission:

Labcorp Genetics (formerly Invitae), Labcorp
Classification: Uncertain significance for MHC class II deficiency. Last evaluated: 2021-08-07. Review status: criteria provided, single submitter. Criteria: Invitae Variant Classification Sherloc (09022015). Collection method: clinical testing. Allele origin: germline.
Comment: This sequence change replaces leucine with valine at codon 989 of the CIITA protein (p.Leu989Val). The leucine residue is highly conserved and there is a small physicochemical difference between leucine and valine. This variant is not present in population databases (ExAC no frequency). This variant has not been reported in the literature in individuals affected with CIITA-related conditions. Algorithms developed to predict the effect of missense changes on protein structure and function (SIFT, PolyPhen-2, Align-GVGD) all suggest that this variant is likely to be disruptive. In summary, the available evidence is currently insufficient to determine the role of this variant in disease. Therefore, it has been classified as a Variant of Uncertain Significance.